The following is an entry in ClinVar:

NM_031885.5(BBS2):c.1469A>G (p.Asp490Gly)

Gene: BBS2 (Bardet-Biedl syndrome 2; minus strand). Cytogenetic location: 16q13.
Variant type: single nucleotide variant.
Coding change: c.1469A>G on transcript NM_031885.5 (MANE Select); coding-DNA position 1469, A replaced by G.
Protein change: p.Asp490Gly; replaces aspartic acid 490 with glycine.
Molecular consequence: missense variant. On other transcripts: non-coding transcript variant (5).
Genome position (GRCh38, 1-based): chr16:56,499,836, T>C on the plus strand (A>G on the coding strand, the complement: BBS2 is on the minus strand). VCF-style: chr16-56499836-T-C. GRCh37 (hg19) VCF-style: chr16-56533748-T-C.
Other names: c.1469A>G, p.Asp490Gly (NM_001377456.1); short protein forms D490G.
Identifiers: ClinVar variation 852610 (VCV000852610.7), dbSNP rs1964211173, ClinGen allele CA395977898.
Genomic context (GRCh38, chr16:56,499,836, plus strand): 5'-ACCCTCTGTGCCCGTTCTGCAATGGTAAAGTTAACATAACTGATTGGCTCACTGGCAGGG[T>C]CCAGGCTGGTCAGCGCATACATGGAGAATCGAGGGAGCTGTCTTGTCGATTCAAATACAT-3'
Protein context (NP_114091.4, residues 480-500): RFSMYALTSL[Asp490Gly]PASEPISYVN

ClinVar aggregate classification (germline): Uncertain significance (1 of 4 stars; one submission).

Conditions:
Bardet-Biedl syndrome (BBS). Identifiers: Orphanet 110, MedGen C0752166, MONDO:0015229.

Allele frequency attached by ClinVar (database versions not stated): TOPMed 0.00001.

Submission:

Labcorp Genetics (formerly Invitae), Labcorp
Classification: Uncertain significance for Bardet-Biedl syndrome. Last evaluated: 2021-08-31. Review status: criteria provided, single submitter. Criteria: Invitae Variant Classification Sherloc (09022015). Collection method: clinical testing. Allele origin: germline.
Comment: This sequence change replaces aspartic acid with glycine at codon 490 of the BBS2 protein (p.Asp490Gly). The aspartic acid residue is moderately conserved and there is a moderate physicochemical difference between aspartic acid and glycine. This variant is not present in population databases (ExAC no frequency). This variant has not been reported in the literature in individuals affected with BBS2-related conditions. Algorithms developed to predict the effect of missense changes on protein structure and function (SIFT, PolyPhen-2, Align-GVGD) all suggest that this variant is likely to be tolerated. In summary, the available evidence is currently insufficient to determine the role of this variant in disease. Therefore, it has been classified as a Variant of Uncertain Significance.